The following is an entry in ClinVar:

ClinVar aggregate classification (germline): Uncertain significance (1 of 4 stars; one submission).

Conditions:
Amyotrophic lateral sclerosis type 15. Also called: AMYOTROPHIC LATERAL SCLEROSIS 15 WITH FRONTOTEMPORAL DEMENTIA. Identifiers: Orphanet 803, MedGen C3275459, MONDO:0010459, OMIM 300857.

Submission:

Labcorp Genetics (formerly Invitae), Labcorp
Classification: Uncertain significance for Amyotrophic lateral sclerosis type 15. Last evaluated: 2025-08-03. Review status: criteria provided, single submitter. Criteria: Invitae Variant Classification Sherloc (09022015). Collection method: clinical testing. Allele origin: germline.
Comment: This sequence change creates a premature translational stop signal (p.Gln423Argfs*33) in the UBQLN2 gene. While this is not anticipated to result in nonsense mediated decay, it is expected to disrupt the last 202 amino acid(s) of the UBQLN2 protein. This variant is not present in population databases (gnomAD no frequency). This variant has not been reported in the literature in individuals affected with UBQLN2-related conditions. In summary, the available evidence is currently insufficient to determine the role of this variant in disease. Therefore, it has been classified as a Variant of Uncertain Significance.

NM_013444.4(UBQLN2):c.1268del (p.Gln423fs)

Gene: UBQLN2 (ubiquilin 2; plus strand). Cytogenetic location: Xp11.21.
Variant type: Deletion.
Coding change: c.1268del on transcript NM_013444.4 (MANE Select); coding-DNA position 1268, one base deleted (A; older notation c.1268delA).
Protein change: p.Gln423fs; shifts the reading frame from glutamine 423.
Molecular consequence: frameshift variant.
Genome position (GRCh38, 1-based): chrX:56,565,141, A deleted. VCF-style (leftmost placement, unchanged base first): chrX-56565140-CA-C. GRCh37 (hg19) VCF-style: chrX-56591573-CA-C.
Other names: short protein forms Q423fs.
Identifiers: ClinVar variation 4724704 (VCV004724704.1).